The following is an entry in ClinVar:

NM_003998.4(NFKB1):c.1695_1701del (p.Glu565fs)

Genes: NFKB1 (nuclear factor kappa B subunit 1; plus strand), LOC126807127 (CDK7 strongly-dependent group 2 enhancer GRCh37_chr4:103521788-103522987; plus strand). Cytogenetic location: 4q24.
Variant type: Deletion.
Coding change: c.1695_1701del on transcript NM_003998.4 (MANE Select); coding-DNA positions 1695 to 1701, 7 bases deleted (AGTCACA; older notation c.1695_1701delAGTCACA).
Protein change: p.Glu565fs; shifts the reading frame from glutamic acid 565.
Molecular consequence: frameshift variant.
Genome position (GRCh38, 1-based): chr4:102,600,952-102,600,958, AGTCACA deleted; deleting any 7 consecutive bases within chr4:102,600,951-102,600,958 gives the same sequence; the c. name uses the placement nearest the transcript's 3' end. VCF-style (leftmost placement, unchanged base first): chr4-102600950-GAAGTCAC-G. GRCh37 (hg19) VCF-style: chr4-103522107-GAAGTCAC-G.
Other names: c.1692_1698del, p.Glu564fs (NM_001165412.2, NM_001319226.2, NM_001382627.1); c.1695_1701del, p.Glu565fs (NM_001382625.1, NM_001382626.1); c.1653_1659del, p.Glu551fs (NM_001382628.1); short protein forms E551fs, E564fs, E565fs.
Identifiers: ClinVar variation 3646261 (VCV003646261.2).

ClinVar aggregate classification (germline): Pathogenic (1 of 4 stars; one submission).

Submission:

Labcorp Genetics (formerly Invitae), Labcorp
Classification: Pathogenic. Last evaluated: 2024-03-16. Review status: criteria provided, single submitter. Criteria: Invitae Variant Classification Sherloc (09022015). Collection method: clinical testing. Allele origin: germline.
Comment: This sequence change creates a premature translational stop signal (p.Glu565Aspfs*4) in the NFKB1 gene. It is expected to result in an absent or disrupted protein product. Loss-of-function variants in NFKB1 are known to be pathogenic (PMID: 26279205, 29477724). This variant is not present in population databases (gnomAD no frequency). This variant has not been reported in the literature in individuals affected with NFKB1-related conditions. For these reasons, this variant has been classified as Pathogenic.

Literature cited by the submitters: PubMed 26279205; PubMed 29477724.